The following is an entry in ClinVar:

ClinVar aggregate classification (germline): Uncertain significance. Review status: criteria provided, multiple submitters, no conflicts (2 of 4 stars). 4 submissions from 4 submitters: Uncertain significance (4). Last evaluated 2025-10-21.

Conditions:
Inborn genetic diseases. Identifiers: MedGen C0950123, MeSH D030342.
Spermatogenic failure 28. Identifiers: MedGen C4748117, MONDO:0054732, OMIM 618086.
Premature ovarian failure 15. Identifiers: MedGen C4748170, MONDO:0054862, OMIM 618096.
Fanconi anemia (FA). Also called: Fanconi's anemia. Identifiers: Orphanet 84, MedGen C0015625, MeSH D005199, MONDO:0019391.

Allele frequency attached by ClinVar (database versions not stated): gnomAD 0.00001 and 0.00002; gnomAD exomes 0.00001 and 0.00004; TOPMed 0.00005; ExAC 0.00006; 1000 Genomes Project 0.00020; 1000 Genomes Project 30x 0.00031.
gnomAD v4.1: 21 of 1,612,758 alleles (0.0013%); highest among the groups gnomAD compares: Admixed American, 0.033%; no homozygotes.

Submissions (4):

Ambry Genetics
Classification: Uncertain significance for Inborn genetic diseases. Last evaluated: 2025-10-21. Review status: criteria provided, single submitter. Criteria: Ambry Variant Classification Scheme 2023. Collection method: clinical testing. Allele origin: germline.

Quest Diagnostics Nichols Institute San Juan Capistrano
Classification: Uncertain significance. Last evaluated: 2025-04-28. Review status: criteria provided, single submitter. Criteria: Quest Diagnostics criteria. Collection method: clinical testing. Allele origin: unknown.
Comment: The FANCM c.2755G>A (p.Glu919Lys) variant has been reported in the published literature in a reportedly unaffected individual (PMID: 33471991 (2021), see also LOVD). The frequency of this variant in the general population (Genome Aggregation Database) is uninformative in the assessment of its pathogenicity. Analysis of this variant using bioinformatics tools for the prediction of the effect of amino acid changes on protein structure and function yielded predictions that this variant is benign. Based on the available information, we are unable to determine the clinical significance of this variant.

Labcorp Genetics (formerly Invitae), Labcorp
Classification: Uncertain significance for Fanconi anemia. Last evaluated: 2024-08-12. Review status: criteria provided, single submitter. Criteria: Invitae Variant Classification Sherloc (09022015). Collection method: clinical testing. Allele origin: germline.
Comment: This sequence change replaces glutamic acid, which is acidic and polar, with lysine, which is basic and polar, at codon 919 of the FANCM protein (p.Glu919Lys). This variant is present in population databases (rs184770388, gnomAD 0.02%). This variant has not been reported in the literature in individuals affected with FANCM-related conditions. ClinVar contains an entry for this variant (Variation ID: 1017319). An algorithm developed to predict the effect of missense changes on protein structure and function (PolyPhen-2) suggests that this variant is likely to be tolerated. In summary, the available evidence is currently insufficient to determine the role of this variant in disease. Therefore, it has been classified as a Variant of Uncertain Significance.

Fulgent Genetics
Classification: Uncertain significance for Spermatogenic failure 28; Premature ovarian failure 15. Last evaluated: 2024-05-06. Review status: criteria provided, single submitter. Criteria: ACMG Guidelines, 2015. Collection method: clinical testing. Allele origin: germline.

Literature cited by the submitters: PubMed 33471991 (cited by Quest Diagnostics Nichols Institute San Juan Capistrano).

NM_020937.4(FANCM):c.2755G>A (p.Glu919Lys)

Gene: FANCM (FA complementation group M; plus strand). Cytogenetic location: 14q21.2.
Variant type: single nucleotide variant.
Coding change: c.2755G>A on transcript NM_020937.4 (MANE Select); coding-DNA position 2755, G replaced by A.
Protein change: p.Glu919Lys; replaces glutamic acid 919 with lysine.
Molecular consequence: missense variant.
Genome position (GRCh38, 1-based): chr14:45,175,509, G>A. VCF-style: chr14-45175509-G-A. GRCh37 (hg19) VCF-style: chr14-45644712-G-A.
Other names: c.2677G>A, p.Glu893Lys (NM_001308133.2); c.2755G>A (NM_020937.3, NM_020937.2); short protein forms E893K, E919K.
Identifiers: ClinVar variation 1017319 (VCV001017319.13), dbSNP rs184770388, ClinGen allele CA7169406.